The following is an entry in ClinVar:

NM_000264.5(PTCH1):c.4160CTGGGC[1] (p.1387PG[1])

Gene: PTCH1 (patched 1; minus strand). Cytogenetic location: 9q22.32.
Variant type: Microsatellite.
Coding change: c.4160CTGGGC[1] on transcript NM_000264.5 (MANE Select); one copy of the 6-base unit CTGGGC starting at c.4160; the reference has two copies in a row; one copy, 6 bases deleted.
Protein change: p.1387PG[1].
Molecular consequence: inframe deletion. On other transcripts: inframe indel (1), non-coding transcript variant (1).
Genome position (GRCh38, 1-based): chr9:95,447,085-95,447,090, GCCCAG deleted on the plus strand (CTGGGC on the coding strand, the reverse complement: PTCH1 is on the minus strand); deleting any 6 consecutive bases within chr9:95,447,085-95,447,097 gives the same sequence; the position shown is the placement nearest the transcript's 3' end. VCF-style (leftmost placement, unchanged base first): chr9-95447084-CGCCCAG-C. GRCh37 (hg19) VCF-style: chr9-98209366-CGCCCAG-C.
Other names: c.4166_4171delCTGGGC (NM_000264.3); c.4159_4164CCTGGG[1], p.Pro1389_Gly1390del (NM_000264.3); c.3962CTGGGC[1], p.1321PG[1] (NM_001083602.3); c.4157CTGGGC[1], p.1386PG[1] (NM_001083603.3); c.3707CTGGGC[1], p.1236PG[1] (NM_001083604.3, NM_001083605.3, NM_001083606.3 and 1 more transcripts); c.4004CTGGGC[1], p.1335PG[1] (NM_001354918.2).
Identifiers: ClinVar variation 2699656 (VCV002699656.4), dbSNP rs1060502272, ClinGen allele CA2697557939.

ClinVar aggregate classification (germline): Uncertain significance. Review status: criteria provided, multiple submitters, no conflicts (2 of 4 stars). 2 submissions from 2 submitters: Uncertain significance (2). Last evaluated 2026-07-20.

Conditions:
Gorlin syndrome. Also called: Nevoid Basal Cell Carcinoma Syndrome; Basal cell nevus syndrome. Identifiers: Orphanet 377, MedGen C0004779, MONDO:0007187.
Hereditary cancer-predisposing syndrome. Also called: Hereditary neoplastic syndrome; Hereditary Cancer Syndrome; Neoplastic Syndromes, Hereditary; Tumor predisposition. Identifiers: Orphanet 140162, MedGen C0027672, MeSH D009386, MONDO:0015356.

Submissions (2):

Ambry Genetics
Classification: Uncertain significance for Hereditary cancer-predisposing syndrome. Last evaluated: 2026-07-20. Review status: criteria provided, single submitter. Criteria: Ambry Variant Classification Scheme 2023. Collection method: clinical testing. Allele origin: germline.
Comment: The c.4166_4171delCTGGGC variant (also known as p.P1389_G1390del) is located in coding exon 23 of the PTCH1 gene. This variant results from an in-frame CTGGGC deletion at nucleotide positions 4166 to 4171. This results in the in-frame deletion of P and G residues at codons 1389 to 1390. This amino acid region is not well conserved in available vertebrate species. In addition, this variant is predicted to be tolerated by in silico analysis. Based on the available evidence, the clinical significance of this variant remains unclear.

Labcorp Genetics (formerly Invitae), Labcorp
Classification: Uncertain significance for Gorlin syndrome. Last evaluated: 2023-11-29. Review status: criteria provided, single submitter. Criteria: Invitae Variant Classification Sherloc (09022015). Collection method: clinical testing. Allele origin: germline.
Comment: This variant, c.4166_4171del, results in the deletion of 2 amino acid(s) of the PTCH1 protein (p.Pro1389_Gly1390del), but otherwise preserves the integrity of the reading frame. This variant is not present in population databases (gnomAD no frequency). This variant has not been reported in the literature in individuals affected with PTCH1-related conditions. Experimental studies and prediction algorithms are not available or were not evaluated, and the functional significance of this variant is currently unknown. In summary, the available evidence is currently insufficient to determine the role of this variant in disease. Therefore, it has been classified as a Variant of Uncertain Significance.